The following is an entry in ClinVar:

ClinVar aggregate classification (germline): Uncertain significance (1 of 4 stars; one submission).

Submission:

Labcorp Genetics (formerly Invitae), Labcorp
Classification: Uncertain significance. Last evaluated: 2023-07-14. Review status: criteria provided, single submitter. Criteria: Invitae Variant Classification Sherloc (09022015). Collection method: clinical testing. Allele origin: germline.
Comment: In summary, the available evidence is currently insufficient to determine the role of this variant in disease. Therefore, it has been classified as a Variant of Uncertain Significance. Advanced modeling of protein sequence and biophysical properties (such as structural, functional, and spatial information, amino acid conservation, physicochemical variation, residue mobility, and thermodynamic stability) has been performed at Invitae for this missense variant, however the output from this modeling did not meet the statistical confidence thresholds required to predict the impact of this variant on SZT2 protein function. This variant has not been reported in the literature in individuals affected with SZT2-related conditions. This variant is present in population databases (no rsID available, gnomAD 0.009%). This sequence change replaces alanine, which is neutral and non-polar, with threonine, which is neutral and polar, at codon 2061 of the SZT2 protein (p.Ala2061Thr).

NM_001365999.1(SZT2):c.6352G>A (p.Ala2118Thr)

Gene: SZT2 (SZT2 subunit of KICSTOR complex; plus strand). Cytogenetic location: 1p34.2.
Variant type: single nucleotide variant.
Coding change: c.6352G>A on transcript NM_001365999.1 (MANE Select); coding-DNA position 6352, G replaced by A.
Protein change: p.Ala2118Thr; replaces alanine 2118 with threonine.
Molecular consequence: missense variant.
Genome position (GRCh38, 1-based): chr1:43,437,656, G>A. VCF-style: chr1-43437656-G-A. GRCh37 (hg19) VCF-style: chr1-43903327-G-A.
Other names: c.6181G>A, p.Ala2061Thr (NM_015284.4); short protein forms A2061T, A2118T.
Identifiers: ClinVar variation 2958940 (VCV002958940.3), dbSNP rs765248092, ClinGen allele CA340029287.